The following is an entry in ClinVar:

ClinVar aggregate classification (germline): Uncertain significance. Review status: criteria provided, multiple submitters, no conflicts (2 of 4 stars). 4 submissions from 4 submitters: Uncertain significance (4). Last evaluated 2024-09-25.

Allele frequency attached by ClinVar (database versions not stated): ExAC 0.00006; gnomAD 0.00006 and 0.00007; gnomAD exomes 0.00006 and 0.00009; TOPMed 0.00007; ESP Exome Variant Server 0.00008.
gnomAD v4.1: 137 of 1,613,456 alleles (0.0085%); highest among the groups gnomAD compares: South Asian, 0.015%; no homozygotes.

Submissions (4):

Blueprint Genetics
Classification: Uncertain significance. Last evaluated: 2024-09-25. Review status: criteria provided, single submitter. Criteria: ACMG Guidelines, 2015. Collection method: clinical testing. Allele origin: germline.

CeGaT Center for Human Genetics Tuebingen
Classification: Uncertain significance. Last evaluated: 2023-12-01. Review status: criteria provided, single submitter. Criteria: CeGaT Center For Human Genetics Tuebingen Variant Classification Criteria Version 2. Collection method: clinical testing. Allele origin: germline. Affected: yes. Observed: 1 variant allele.
Comment: APTX: PM2:Supporting

Mayo Clinic Laboratories, Mayo Clinic
Classification: Uncertain significance. Last evaluated: 2023-09-13. Review status: criteria provided, single submitter. Criteria: ACMG Guidelines, 2015. Collection method: clinical testing. Allele origin: germline. Observed: 2 variant alleles.
Comment: BP4

Athena Diagnostics
Classification: Uncertain significance. Last evaluated: 2023-04-03. Review status: criteria provided, single submitter. Criteria: Athena Diagnostics Criteria. Collection method: clinical testing. Allele origin: unknown.
Comment: Available data are insufficient to determine the clinical significance of the variant at this time. The frequency of this variant in the general population is uninformative in assessment of its pathogenicity. Computational tools disagree on the variant's effect on normal protein function. The variant is located in a region that is considered important for protein function and/or structure.

Literature cited by the submitters: PubMed 28881617 (cited by Athena Diagnostics).

NM_001195248.2(APTX):c.191A>G (p.Asn64Ser)

Gene: APTX (aprataxin; minus strand). Cytogenetic location: 9p21.1.
Variant type: single nucleotide variant.
Coding change: c.191A>G on transcript NM_001195248.2 (MANE Select); coding-DNA position 191, A replaced by G.
Protein change: p.Asn64Ser; replaces asparagine 64 with serine.
Molecular consequence: missense variant. On other transcripts: 5 prime UTR variant (8), non-coding transcript variant (3), intron variant (4).
Genome position (GRCh38, 1-based): chr9:32,987,836, T>C on the plus strand (A>G on the coding strand, the complement: APTX is on the minus strand). VCF-style: chr9-32987836-T-C. GRCh37 (hg19) VCF-style: chr9-32987834-T-C.
Other names: p.Asn64Ser; c.191A>G, p.Asn64Ser (NM_001195249.2, NM_001195251.2, NM_001195252.2 and 7 more transcripts); c.-74A>G (NM_001369002.1, NM_001369003.1, NM_001369004.1 and 5 more transcripts); c.134-105A>G (NM_001369001.1, NM_001369000.1, NM_001195250.2 and 1 more transcripts); short protein forms N64S.
Identifiers: ClinVar variation 1256342 (VCV001256342.27), dbSNP rs142032370, ClinGen allele CA5022566.